The following is an entry in ClinVar:

NM_001830.4(CLCN4):c.1492A>G (p.Ile498Val)

Gene: CLCN4 (Cl-/H+ antiporter 4; plus strand). Cytogenetic location: Xp22.2.
Variant type: single nucleotide variant.
Coding change: c.1492A>G on transcript NM_001830.4 (MANE Select); coding-DNA position 1492, A replaced by G.
Protein change: p.Ile498Val; replaces isoleucine 498 with valine.
Molecular consequence: missense variant.
Genome position (GRCh38, 1-based): chrX:10,212,569, A>G. VCF-style: chrX-10212569-A-G. GRCh37 (hg19) VCF-style: chrX-10180609-A-G.
Other names: c.1210A>G, p.Ile404Val (NM_001256944.2); short protein forms I404V, I498V.
Identifiers: ClinVar variation 2632589 (VCV002632589.4), dbSNP rs2518888030, ClinGen allele CA412040965.

ClinVar aggregate classification (germline): Uncertain significance. Review status: criteria provided, multiple submitters, no conflicts (2 of 4 stars). 2 submissions from 2 submitters: Uncertain significance (2). Last evaluated 2026-08-22.

Conditions:
CLCN4-related disorder. Identifiers: MedGen CN232948.

Submissions (2):

GeneDx
Classification: Uncertain significance. Last evaluated: 2026-08-22. Review status: criteria provided, single submitter. Criteria: GeneDx Variant Classification Process June 2021. Collection method: clinical testing. Allele origin: germline.
Comment: Not observed at significant frequency in large population cohorts (gnomAD); In silico analysis suggests that this missense variant does not alter protein structure/function; Has not been previously published as pathogenic or benign to our knowledge

PreventionGenetics, part of Exact Sciences
Classification: Uncertain significance for CLCN4-related condition. Last evaluated: 2023-07-27. Review status: criteria provided, single submitter. Criteria: ACMG Guidelines, 2015. Collection method: clinical testing. Allele origin: germline.
Comment: The CLCN4 c.1492A>G variant is predicted to result in the amino acid substitution p.Ile498Val. To our knowledge, this variant has not been reported in the literature or in a large population database, indicating this variant is rare. At this time, the clinical significance of this variant is uncertain due to the absence of conclusive functional and genetic evidence.